The following is an entry in ClinVar:

NM_020765.3(UBR4):c.14111+8G>C

Gene: UBR4 (ubiquitin protein ligase E3 component n-recognin 4; minus strand). Cytogenetic location: 1p36.13.
Variant type: single nucleotide variant.
Coding change: c.14111+8G>C on transcript NM_020765.3 (MANE Select); 8 bases into the intron after coding-DNA position 14111, G replaced by C.
Molecular consequence: intron variant.
Genome position (GRCh38, 1-based): chr1:19,093,305, C>G on the plus strand (G>C on the coding strand, the complement: UBR4 is on the minus strand). VCF-style: chr1-19093305-C-G. GRCh37 (hg19) VCF-style: chr1-19419799-C-G.
Identifiers: ClinVar variation 726402 (VCV000726402.7), dbSNP rs1570365249, ClinGen allele CA915941163.

ClinVar aggregate classification (germline): Likely benign. Review status: criteria provided, multiple submitters, no conflicts (2 of 4 stars). 3 submissions from 3 submitters: Likely benign (2). 1 of the submissions does not count toward it. Last evaluated 2019-12-31.

Conditions:
UBR4-related disorder. Also called: UBR4-related condition.

Submissions (3):

Labcorp Genetics (formerly Invitae), Labcorp
Classification: Likely benign. Last evaluated: 2019-12-31. Review status: criteria provided, single submitter. Criteria: Invitae Variant Classification Sherloc (09022015). Collection method: clinical testing. Allele origin: germline.

Breakthrough Genomics
Classification: Likely benign. Review status: criteria provided, single submitter. Criteria: ACMG Guidelines, 2015. Collection method: not provided. Allele origin: germline. Inheritance: Unknown mechanism. Affected: yes.

PreventionGenetics, part of Exact Sciences
Classification: Likely benign for UBR4-related condition. Last evaluated: 2023-12-21. Review status: no assertion criteria provided. Collection method: clinical testing. Allele origin: germline. Not counted in ClinVar's aggregate classification.
Comment: This variant is classified as likely benign based on ACMG/AMP sequence variant interpretation guidelines (Richards et al. 2015 PMID: 25741868, with internal and published modifications).